The following is an entry in ClinVar:

ClinVar aggregate classification (germline): Uncertain significance. Review status: criteria provided, multiple submitters, no conflicts (2 of 4 stars). 2 submissions from 2 submitters: Uncertain significance (2). Last evaluated 2025-08-20.

Conditions:
Inborn genetic diseases. Identifiers: MedGen C0950123, MeSH D030342.

Allele frequency attached by ClinVar (database versions not stated): gnomAD 0.00001; ExAC 0.00003; ESP Exome Variant Server 0.00008.
gnomAD v4.1: 37 of 1,613,506 alleles (0.0023%); highest among the groups gnomAD compares: Middle Eastern, 0.049%; no homozygotes.

Submissions (2):

Labcorp Genetics (formerly Invitae), Labcorp
Classification: Uncertain significance. Last evaluated: 2025-08-20. Review status: criteria provided, single submitter. Criteria: Invitae Variant Classification Sherloc (09022015). Collection method: clinical testing. Allele origin: germline.
Comment: This sequence change replaces serine, which is neutral and polar, with threonine, which is neutral and polar, at codon 877 of the CDH2 protein (p.Ser877Thr). This variant is present in population databases (rs138164198, gnomAD 0.01%). This variant has not been reported in the literature in individuals affected with CDH2-related conditions. ClinVar contains an entry for this variant (Variation ID: 2148484). An algorithm developed to predict the effect of missense changes on protein structure and function (PolyPhen-2) suggests that this variant is likely to be disruptive. In summary, the available evidence is currently insufficient to determine the role of this variant in disease. Therefore, it has been classified as a Variant of Uncertain Significance.

Ambry Genetics
Classification: Uncertain significance for Inborn genetic diseases. Last evaluated: 2024-09-05. Review status: criteria provided, single submitter. Criteria: Ambry Variant Classification Scheme 2023. Collection method: clinical testing. Allele origin: germline.

NM_001792.5(CDH2):c.2630G>C (p.Ser877Thr)

Genes: CDH2 (cadherin 2; minus strand), CDH2-AS1 (CDH2 antisense RNA 1; plus strand). Cytogenetic location: 18q12.1.
Variant type: single nucleotide variant.
Coding change: c.2630G>C on transcript NM_001792.5 (MANE Select); coding-DNA position 2630, G replaced by C.
Protein change: p.Ser877Thr; replaces serine 877 with threonine.
Molecular consequence: missense variant.
Genome position (GRCh38, 1-based): chr18:27,952,244, C>G on the plus strand (G>C on the coding strand, the complement: CDH2 is on the minus strand). VCF-style: chr18-27952244-C-G. GRCh37 (hg19) VCF-style: chr18-25532208-C-G.
Other names: c.2537G>C, p.Ser846Thr (NM_001308176.2); c.2630G>C (NM_001792.3); short protein forms S877T, S846T.
Identifiers: ClinVar variation 2148484 (VCV002148484.6), dbSNP rs138164198, ClinGen allele CA8923100.
Genomic context (GRCh38, chr18:27,952,244, plus strand): 5'-AGTTTCTTGAACCGTGGCCCCCAGTCGTTCAGGTAATCATAGTCCTGCTCACCACCACTA[C>G]TTGAGGAATTAAGGGAGCTCAAGGACCCAGCAGTGGAGCCACTGCCTTCATAGTCAAACA-3'
Protein context (NP_001783.2, residues 867-887): AGSLSSLNSS[Ser877Thr]SGGEQDYDYL